The following is an entry in ClinVar:

NM_001378454.1(ALMS1):c.3965A>G (p.Gln1322Arg)

Gene: ALMS1 (ALMS1 centrosome and basal body associated protein; plus strand). Cytogenetic location: 2p13.1.
Variant type: single nucleotide variant.
Coding change: c.3965A>G on transcript NM_001378454.1 (MANE Select); coding-DNA position 3965, A replaced by G.
Protein change: p.Gln1322Arg; replaces glutamine 1322 with arginine.
Molecular consequence: missense variant.
Genome position (GRCh38, 1-based): chr2:73,450,492, A>G. VCF-style: chr2-73450492-A-G. GRCh37 (hg19) VCF-style: chr2-73677619-A-G.
Other names: c.3968A>G, p.Gln1323Arg (NM_015120.4); short protein forms Q1322R, Q1323R.
Identifiers: ClinVar variation 1495039 (VCV001495039.10), dbSNP rs1251705223, ClinGen allele CA347277175.

ClinVar aggregate classification (germline): Uncertain significance. Review status: criteria provided, multiple submitters, no conflicts (2 of 4 stars). 5 submissions from 5 submitters: Uncertain significance (5). Last evaluated 2025-10-28.

Conditions:
Alstrom syndrome (ALMS). Identifiers: Orphanet 64, MedGen C0268425, MONDO:0008763, OMIM 203800.
Cardiovascular phenotype. Identifiers: MedGen CN230736.

Allele frequency attached by ClinVar (database versions not stated): gnomAD exomes 0.00002; gnomAD 0.00007.

Submissions (5):

GeneDx
Classification: Uncertain significance. Last evaluated: 2025-10-28. Review status: criteria provided, single submitter. Criteria: GeneDx Variant Classification Process June 2021. Collection method: clinical testing. Allele origin: germline.
Comment: In silico analysis suggests that this missense variant does not alter protein structure/function; Has not been previously published as pathogenic or benign to our knowledge

ARUP Laboratories, Molecular Genetics and Genomics, ARUP Laboratories
Classification: Uncertain significance for Alstrom syndrome. Last evaluated: 2024-12-24. Review status: criteria provided, single submitter. Criteria: ARUP Molecular Germline Variant Investigation Process 2024. Collection method: clinical testing. Allele origin: germline.
Comment: The ALMS1 c.3965A>G; p.Gln1322Arg variant (rs1251705223), to our knowledge, is not reported in the medical literature but is reported in ClinVar (Variation ID: 1495039). This variant is found in the general population with an overall allele frequency of 0.01% (3/30,922 alleles) in the Genome Aggregation Database (v2.1.1). Computational analyses predict that this variant is neutral (REVEL: 0.103). Due to limited information, the clinical significance of this variant is uncertain at this time.

Labcorp Genetics (formerly Invitae), Labcorp
Classification: Uncertain significance for Alstrom syndrome. Last evaluated: 2024-11-02. Review status: criteria provided, single submitter. Criteria: Invitae Variant Classification Sherloc (09022015). Collection method: clinical testing. Allele origin: germline.
Comment: This sequence change replaces glutamine, which is neutral and polar, with arginine, which is basic and polar, at codon 1323 of the ALMS1 protein (p.Gln1323Arg). The frequency data for this variant in the population databases is considered unreliable, as metrics indicate poor data quality at this position in the gnomAD database. This variant has not been reported in the literature in individuals affected with ALMS1-related conditions. ClinVar contains an entry for this variant (Variation ID: 1495039). Experimental studies and prediction algorithms are not available or were not evaluated, and the functional significance of this variant is currently unknown. In summary, the available evidence is currently insufficient to determine the role of this variant in disease. Therefore, it has been classified as a Variant of Uncertain Significance.

Fulgent Genetics
Classification: Uncertain significance for Alstrom syndrome. Last evaluated: 2021-10-26. Review status: criteria provided, single submitter. Criteria: ACMG Guidelines, 2015. Collection method: clinical testing. Allele origin: unknown.

Ambry Genetics
Classification: Uncertain significance for Cardiovascular phenotype. Last evaluated: 2021-04-11. Review status: criteria provided, single submitter. Criteria: Ambry Variant Classification Scheme 2023. Collection method: clinical testing. Allele origin: germline.
Comment: The p.Q1323R variant (also known as c.3968A>G), located in coding exon 8 of the ALMS1 gene, results from an A to G substitution at nucleotide position 3968. The glutamine at codon 1323 is replaced by arginine, an amino acid with highly similar properties. This amino acid position is well conserved in available vertebrate species. In addition, the in silico prediction for this alteration is inconclusive. Since supporting evidence is limited at this time, the clinical significance of this alteration remains unclear.